The following is an entry in ClinVar:

NM_017553.3(INO80):c.4291C>T (p.Arg1431Ter)

Gene: INO80 (INO80 complex ATPase subunit; minus strand). Cytogenetic location: 15q15.1.
Variant type: single nucleotide variant.
Coding change: c.4291C>T on transcript NM_017553.3 (MANE Select); coding-DNA position 4291, C replaced by T.
Protein change: p.Arg1431Ter; replaces arginine 1431 with a stop codon.
Molecular consequence: nonsense. On other transcripts: non-coding transcript variant (1).
Genome position (GRCh38, 1-based): chr15:40,983,024, G>A on the plus strand (C>T on the coding strand, the complement: INO80 is on the minus strand). VCF-style: chr15-40983024-G-A. GRCh37 (hg19) VCF-style: chr15-41275222-G-A.
Other names: short protein forms R1431*.
Identifiers: ClinVar variation 2631493 (VCV002631493.1), dbSNP rs1893891672, ClinGen allele CA391794026.

ClinVar aggregate classification (germline): Uncertain significance (1 of 4 stars; one submission).

Conditions:
INO80-related disorder. Also called: INO80-related condition.

Submission:

PreventionGenetics, part of Exact Sciences
Classification: Uncertain significance for INO80-related condition. Last evaluated: 2023-08-11. Review status: criteria provided, single submitter. Criteria: ACMG Guidelines, 2015. Collection method: clinical testing. Allele origin: germline.
Comment: The INO80 c.4291C>T variant is predicted to result in premature protein termination (p.Arg1431*). To our knowledge, this variant has not been reported in the literature or in a large population database, indicating this variant is rare. Loss-of-function has not been established as a disease mechanism for this gene, and therefore the clinical significance of this variant is currently uncertain due to the absence of conclusive functional and genetic evidence.